The following is an entry in ClinVar:

NM_000059.4(BRCA2):c.4443G>C (p.Glu1481Asp)

Gene: BRCA2 (BRCA2 DNA repair associated; plus strand). Cytogenetic location: 13q13.1.
Variant type: single nucleotide variant.
Coding change: c.4443G>C on transcript NM_000059.4 (MANE Select); coding-DNA position 4443, G replaced by C.
Protein change: p.Glu1481Asp; replaces glutamic acid 1481 with aspartic acid.
Molecular consequence: missense variant.
Genome position (GRCh38, 1-based): chr13:32,338,798, G>C. VCF-style: chr13-32338798-G-C. GRCh37 (hg19) VCF-style: chr13-32912935-G-C.
Other names: c.4443G>C, p.Glu1481Asp (NM_001406719.1, NM_001406720.1); short protein forms E1481D.
Identifiers: ClinVar variation 2000440 (VCV002000440.4), dbSNP rs876659618, ClinGen allele CA387781345.

ClinVar aggregate classification (germline): Conflicting classifications of pathogenicity. Review status: criteria provided, conflicting classifications (1 of 4 stars). 2 submissions from 2 submitters: Uncertain significance (1); Likely benign (1). Last evaluated 2025-09-02.

Conditions:
Hereditary breast ovarian cancer syndrome. Also called: Breast and ovarian cancer; Hereditary breast and ovarian cancer syndrome; BRCA1- and BRCA2-Associated Hereditary Breast and Ovarian Cancer; Hereditary breast and ovarian cancer syndrome (HBOC); Hereditary breast and/or ovarian cancer syndrome; Hereditary breast and ovarian cancer. Identifiers: Orphanet 145, MedGen C0677776, MeSH D061325, MONDO:0003582. Disease mechanism: loss of function.
Hereditary cancer-predisposing syndrome. Also called: Neoplastic Syndromes, Hereditary; Hereditary neoplastic syndrome; Tumor predisposition; Hereditary Cancer Syndrome. Identifiers: Orphanet 140162, MedGen C0027672, MeSH D009386, MONDO:0015356.

Submissions (2):

Labcorp Genetics (formerly Invitae), Labcorp
Classification: Uncertain significance for Hereditary breast ovarian cancer syndrome. Last evaluated: 2025-09-02. Review status: criteria provided, single submitter. Criteria: Invitae Variant Classification Sherloc (09022015). Collection method: clinical testing. Allele origin: germline.
Comment: This sequence change replaces glutamic acid, which is acidic and polar, with aspartic acid, which is acidic and polar, at codon 1481 of the BRCA2 protein (p.Glu1481Asp). This variant is not present in population databases (gnomAD no frequency). This variant has not been reported in the literature in individuals affected with BRCA2-related conditions. ClinVar contains an entry for this variant (Variation ID: 2000440). Invitae Evidence Modeling of protein sequence and biophysical properties (such as structural, functional, and spatial information, amino acid conservation, physicochemical variation, residue mobility, and thermodynamic stability) indicates that this missense variant is not expected to disrupt BRCA2 protein function with a negative predictive value of 95%. In summary, the available evidence is currently insufficient to determine the role of this variant in disease. Therefore, it has been classified as a Variant of Uncertain Significance.

University of Washington Department of Laboratory Medicine, University of Washington
Classification: Likely benign for Hereditary cancer-predisposing syndrome. Last evaluated: 2023-03-23. Review status: criteria provided, single submitter. Criteria: Dines et al. (Genet Med. 2020). Collection method: curation. Allele origin: germline.
Comment: Missense variant in a coldspot region where missense variants are very unlikely to be pathogenic (PMID:31911673).

BRCA2 exon 11 coldspot. Reclassification based on statistical prior probability.